The following is an entry in ClinVar:

NM_000138.5(FBN1):c.6872-3C>G

Gene: FBN1 (fibrillin 1; minus strand). Cytogenetic location: 15q21.1.
Variant type: single nucleotide variant.
Coding change: c.6872-3C>G on transcript NM_000138.5 (MANE Select); 3 bases into the intron before coding-DNA position 6872, C replaced by G.
Molecular consequence: intron variant.
Genome position (GRCh38, 1-based): chr15:48,428,474, G>C on the plus strand (C>G on the coding strand, the complement: FBN1 is on the minus strand). VCF-style: chr15-48428474-G-C. GRCh37 (hg19) VCF-style: chr15-48720671-G-C.
Identifiers: ClinVar variation 846175 (VCV000846175.7), dbSNP rs2042999551, ClinGen allele CA916082407.

ClinVar aggregate classification (germline): Pathogenic (1 of 4 stars; one submission).

Conditions:
Familial thoracic aortic aneurysm and aortic dissection (TAAD). Also called: Thoracic aortic aneurysms and dissections. Identifiers: Orphanet 91387, MedGen C4707243, MONDO:0019625.
Marfan syndrome (MFS). Also called: FBN1-Related Marfan Syndrome; Marfan's syndrome; MARFAN SYNDROME, TYPE I; Marfan syndrome type 1; Marfan syndrome, classic. Identifiers: Orphanet 284963, Orphanet 558, MedGen C0024796, MONDO:0007947, OMIM 154700.

Submission:

Labcorp Genetics (formerly Invitae), Labcorp
Classification: Pathogenic for Marfan syndrome; Familial thoracic aortic aneurysm and aortic dissection. Last evaluated: 2023-04-22. Review status: criteria provided, single submitter. Criteria: Invitae Variant Classification Sherloc (09022015). Collection method: clinical testing. Allele origin: germline.
Comment: For these reasons, this variant has been classified as Pathogenic. Variants that disrupt the consensus splice site are a relatively common cause of aberrant splicing (PMID: 17576681, 9536098). Algorithms developed to predict the effect of sequence changes on RNA splicing suggest that this variant may disrupt the consensus splice site. ClinVar contains an entry for this variant (Variation ID: 846175). This variant has been observed in individual(s) with clinical features of Marfan syndrome (Invitae). In at least one individual the variant was observed to be de novo. This variant is not present in population databases (gnomAD no frequency). This sequence change falls in intron 56 of the FBN1 gene. It does not directly change the encoded amino acid sequence of the FBN1 protein. It affects a nucleotide within the consensus splice site.

Literature cited by the submitters: PubMed 17576681; PubMed 9536098.